The following is an entry in ClinVar:

ClinVar aggregate classification (germline): Uncertain significance (1 of 4 stars; one submission).

Allele frequency attached by ClinVar (database versions not stated): gnomAD exomes below 0.00001; ExAC 0.00001; gnomAD 0.00003; TOPMed 0.00003; 1000 Genomes Project 30x 0.00016; 1000 Genomes Project 0.00020.
gnomAD v4.1: 8 of 1,613,824 alleles (0.0005%); highest among the groups gnomAD compares: African/African-American, 0.0093%; no homozygotes.

Submission:

Labcorp Genetics (formerly Invitae), Labcorp
Classification: Uncertain significance. Last evaluated: 2022-09-22. Review status: criteria provided, single submitter. Criteria: Invitae Variant Classification Sherloc (09022015). Collection method: clinical testing. Allele origin: germline.
Comment: This sequence change falls in intron 14 of the KIF20A gene. It does not directly change the encoded amino acid sequence of the KIF20A protein. It affects a nucleotide within the consensus splice site. This variant is present in population databases (rs202101506, gnomAD 0.007%). This variant has not been reported in the literature in individuals affected with KIF20A-related conditions. Variants that disrupt the consensus splice site are a relatively common cause of aberrant splicing (PMID: 17576681, 9536098). Algorithms developed to predict the effect of sequence changes on RNA splicing suggest that this variant is not likely to affect RNA splicing. In summary, the available evidence is currently insufficient to determine the role of this variant in disease. Therefore, it has been classified as a Variant of Uncertain Significance.

Literature cited by the submitters: PubMed 17576681; PubMed 9536098.

NM_005733.3(KIF20A):c.1823+5T>C

Gene: KIF20A (kinesin family member 20A; plus strand). Cytogenetic location: 5q31.2.
Variant type: single nucleotide variant.
Coding change: c.1823+5T>C on transcript NM_005733.3 (MANE Select); 5 bases into the intron after coding-DNA position 1823, T replaced by C.
Molecular consequence: intron variant.
Genome position (GRCh38, 1-based): chr5:138,184,951, T>C. VCF-style: chr5-138184951-T-C. GRCh37 (hg19) VCF-style: chr5-137520640-T-C.
Identifiers: ClinVar variation 1932984 (VCV001932984.5), dbSNP rs202101506, ClinGen allele CA3426714.